The following is an entry in ClinVar:

ClinVar aggregate classification (germline): Uncertain significance. Review status: criteria provided, multiple submitters, no conflicts (2 of 4 stars). 2 submissions from 2 submitters: Uncertain significance (2). Last evaluated 2025-07-22.

Conditions:
Familial thoracic aortic aneurysm and aortic dissection (TAAD). Also called: Thoracic aortic aneurysms and dissections. Identifiers: Orphanet 91387, MedGen C4707243, MONDO:0019625.
Marfan syndrome (MFS). Also called: Marfan syndrome type 1; Marfan syndrome, classic; Marfan's syndrome; FBN1-Related Marfan Syndrome; MARFAN SYNDROME, TYPE I. Identifiers: Orphanet 284963, Orphanet 558, MedGen C0024796, MONDO:0007947, OMIM 154700.

Submissions (2):

Labcorp Genetics (formerly Invitae), Labcorp
Classification: Uncertain significance for Marfan syndrome; Familial thoracic aortic aneurysm and aortic dissection. Last evaluated: 2025-07-22. Review status: criteria provided, single submitter. Criteria: Invitae Variant Classification Sherloc (09022015). Collection method: clinical testing. Allele origin: germline.
Comment: This sequence change replaces glycine, which is neutral and non-polar, with valine, which is neutral and non-polar, at codon 795 of the FBN1 protein (p.Gly795Val). This variant is not present in population databases (gnomAD no frequency). This variant has not been reported in the literature in individuals affected with FBN1-related conditions. ClinVar contains an entry for this variant (Variation ID: 547304). Invitae Evidence Modeling of protein sequence and biophysical properties (such as structural, functional, and spatial information, amino acid conservation, physicochemical variation, residue mobility, and thermodynamic stability) indicates that this missense variant is expected to disrupt FBN1 protein function with a positive predictive value of 95%. Algorithms developed to predict the effect of sequence changes on RNA splicing suggest that this variant may create or strengthen a splice site. In summary, the available evidence is currently insufficient to determine the role of this variant in disease. Therefore, it has been classified as a Variant of Uncertain Significance.

Center for Human Genetics, Inc
Classification: Uncertain significance for Marfan syndrome. Last evaluated: 2016-11-01. Review status: criteria provided, single submitter. Criteria: ACMG Guidelines, 2015. Collection method: clinical testing. Allele origin: germline. Affected: yes.

NM_000138.5(FBN1):c.2384G>T (p.Gly795Val)

Gene: FBN1 (fibrillin 1; minus strand). Cytogenetic location: 15q21.1.
Variant type: single nucleotide variant.
Coding change: c.2384G>T on transcript NM_000138.5 (MANE Select); coding-DNA position 2384, G replaced by T.
Protein change: p.Gly795Val; replaces glycine 795 with valine.
Molecular consequence: missense variant.
Genome position (GRCh38, 1-based): chr15:48,496,135, C>A on the plus strand (G>T on the coding strand, the complement: FBN1 is on the minus strand). VCF-style: chr15-48496135-C-A. GRCh37 (hg19) VCF-style: chr15-48788332-C-A.
Other names: short protein forms G795V.
Identifiers: ClinVar variation 547304 (VCV000547304.2), dbSNP rs1555399267, ClinGen allele CA392335321.